The following is an entry in ClinVar:

ClinVar aggregate classification (germline): Uncertain significance (1 of 4 stars; one submission).

Conditions:
Sphingolipid activator protein 1 deficiency. Also called: METACHROMATIC LEUKODYSTROPHY DUE TO CEREBROSIDE SULFATASE ACTIVATOR DEFICIENCY; Saposin B Deficiency; Metachromatic leukodystrophy due to saposin B deficiency. Identifiers: Orphanet 512, MedGen C0268262, MONDO:0009590, OMIM 249900.

Allele frequency attached by ClinVar (database versions not stated): gnomAD exomes below 0.00001; TOPMed below 0.00001.

Submission:

Labcorp Genetics (formerly Invitae), Labcorp
Classification: Uncertain significance for Sphingolipid activator protein 1 deficiency. Last evaluated: 2026-01-05. Review status: criteria provided, single submitter. Criteria: Invitae Variant Classification Sherloc (09022015). Collection method: clinical testing. Allele origin: germline.
Comment: This sequence change replaces arginine, which is basic and polar, with cysteine, which is neutral and slightly polar, at codon 520 of the PSAP protein (p.Arg520Cys). This variant is not present in population databases (gnomAD no frequency). This variant has not been reported in the literature in individuals affected with PSAP-related conditions. ClinVar contains an entry for this variant (Variation ID: 2156574). Invitae Evidence Modeling of protein sequence and biophysical properties (such as structural, functional, and spatial information, amino acid conservation, physicochemical variation, residue mobility, and thermodynamic stability) has been performed for this missense variant. However, the output from this modeling did not meet the statistical confidence thresholds required to predict the impact of this variant on PSAP protein function. In summary, the available evidence is currently insufficient to determine the role of this variant in disease. Therefore, it has been classified as a Variant of Uncertain Significance.

NM_002778.4(PSAP):c.1558C>T (p.Arg520Cys)

Gene: PSAP (prosaposin; minus strand). Cytogenetic location: 10q22.1.
Variant type: single nucleotide variant.
Coding change: c.1558C>T on transcript NM_002778.4 (MANE Select); coding-DNA position 1558, C replaced by T.
Protein change: p.Arg520Cys; replaces arginine 520 with cysteine.
Molecular consequence: missense variant.
Genome position (GRCh38, 1-based): chr10:71,817,458, G>A on the plus strand (C>T on the coding strand, the complement: PSAP is on the minus strand). VCF-style: chr10-71817458-G-A. GRCh37 (hg19) VCF-style: chr10-73577215-G-A.
Other names: c.1567C>T, p.Arg523Cys (NM_001042465.3); c.1564C>T, p.Arg522Cys (NM_001042466.3); short protein forms R522C, R523C, R520C.
Identifiers: ClinVar variation 2156574 (VCV002156574.2), dbSNP rs1353445374, ClinGen allele CA377139763.